The following is an entry in ClinVar:

NM_030780.5(SLC25A32):c.787A>G (p.Ile263Val)

Gene: SLC25A32 (solute carrier family 25 member 32; minus strand). Cytogenetic location: 8q22.3.
Variant type: single nucleotide variant.
Coding change: c.787A>G on transcript NM_030780.5 (MANE Select); coding-DNA position 787, A replaced by G.
Protein change: p.Ile263Val; replaces isoleucine 263 with valine.
Molecular consequence: missense variant. On other transcripts: non-coding transcript variant (2).
Genome position (GRCh38, 1-based): chr8:103,401,541, T>C on the plus strand (A>G on the coding strand, the complement: SLC25A32 is on the minus strand). VCF-style: chr8-103401541-T-C. GRCh37 (hg19) VCF-style: chr8-104413769-T-C.
Other names: short protein forms I263V.
Identifiers: ClinVar variation 3666924 (VCV003666924.2).

ClinVar aggregate classification (germline): Uncertain significance (1 of 4 stars; one submission).

Submission:

Labcorp Genetics (formerly Invitae), Labcorp
Classification: Uncertain significance. Last evaluated: 2025-03-16. Review status: criteria provided, single submitter. Criteria: Invitae Variant Classification Sherloc (09022015). Collection method: clinical testing. Allele origin: germline.
Comment: This sequence change replaces isoleucine, which is neutral and non-polar, with valine, which is neutral and non-polar, at codon 263 of the SLC25A32 protein (p.Ile263Val). This variant is not present in population databases (gnomAD no frequency). This variant has not been reported in the literature in individuals affected with SLC25A32-related conditions. Invitae Evidence Modeling of protein sequence and biophysical properties (such as structural, functional, and spatial information, amino acid conservation, physicochemical variation, residue mobility, and thermodynamic stability) indicates that this missense variant is not expected to disrupt SLC25A32 protein function with a negative predictive value of 80%. In summary, the available evidence is currently insufficient to determine the role of this variant in disease. Therefore, it has been classified as a Variant of Uncertain Significance.